The following is an entry in ClinVar:

ClinVar aggregate classification (germline): Uncertain significance (1 of 4 stars; one submission).

Allele frequency attached by ClinVar (database versions not stated): TOPMed below 0.00001; gnomAD 0.00001; gnomAD exomes 0.00003.
gnomAD v4.1: 46 of 1,614,096 alleles (0.0028%); highest among the groups gnomAD compares: Non-Finnish European, 0.0034%; no homozygotes.

Submission:

Labcorp Genetics (formerly Invitae), Labcorp
Classification: Uncertain significance. Last evaluated: 2022-07-13. Review status: criteria provided, single submitter. Criteria: Invitae Variant Classification Sherloc (09022015). Collection method: clinical testing. Allele origin: germline.
Comment: This sequence change replaces serine, which is neutral and polar, with glycine, which is neutral and non-polar, at codon 818 of the EIF2AK3 protein (p.Ser818Gly). This variant is present in population databases (no rsID available, gnomAD 0.003%). This variant has not been reported in the literature in individuals affected with EIF2AK3-related conditions. Algorithms developed to predict the effect of missense changes on protein structure and function (SIFT, PolyPhen-2, Align-GVGD) all suggest that this variant is likely to be tolerated. In summary, the available evidence is currently insufficient to determine the role of this variant in disease. Therefore, it has been classified as a Variant of Uncertain Significance.

NM_004836.7(EIF2AK3):c.2452A>G (p.Ser818Gly)

Genes: EIF2AK3 (eukaryotic translation initiation factor 2 alpha kinase 3; minus strand), EIF2AK3-AS1 (EIF2AK3 antisense RNA 1; plus strand). Cytogenetic location: 2p11.2.
Variant type: single nucleotide variant.
Coding change: c.2452A>G on transcript NM_004836.7 (MANE Select); coding-DNA position 2452, A replaced by G.
Protein change: p.Ser818Gly; replaces serine 818 with glycine.
Molecular consequence: missense variant. On other transcripts: non-coding transcript variant (1).
Genome position (GRCh38, 1-based): chr2:88,575,031, T>C on the plus strand (A>G on the coding strand, the complement: EIF2AK3 is on the minus strand). VCF-style: chr2-88575031-T-C. GRCh37 (hg19) VCF-style: chr2-88874549-T-C.
Other names: c.1999A>G, p.Ser667Gly (NM_001313915.2); short protein forms S667G, S818G.
Identifiers: ClinVar variation 1896235 (VCV001896235.2), dbSNP rs1397242777, ClinGen allele CA347591332.
Genomic context (GRCh38, chr2:88,575,031, plus strand): 5'-TTAGTTTATTAGCACAATGGTTGCCAATATGCAATCGATTAGTTTTCGGCTCTTCTTTAC[T>C]GGAAGCATTATCACAGCCAGAATCTTCAAATACTATTGAAGAGGAGGTTCTCTCCCTTGA-3'
Protein context (NP_004827.4, residues 808-828): FEDSGCDNAS[Ser818Gly]KEEPKTNRLH